The following is an entry in ClinVar:

NM_001205293.3(CACNA1E):c.3582G>A (p.Thr1194=)

Gene: CACNA1E (calcium voltage-gated channel subunit alpha1 E; plus strand). Cytogenetic location: 1q25.3.
Variant type: single nucleotide variant.
Coding change: c.3582G>A on transcript NM_001205293.3 (MANE Select); coding-DNA position 3582, G replaced by A.
Protein change: p.Thr1194=; no amino-acid change (threonine 1194 retained).
Molecular consequence: synonymous variant.
Genome position (GRCh38, 1-based): chr1:181,738,396, G>A. VCF-style: chr1-181738396-G-A. GRCh37 (hg19) VCF-style: chr1-181707532-G-A.
Other names: c.3582G>A, p.Thr1194= (NM_000721.4); c.3525G>A, p.Thr1175= (NM_001205294.2); c.3582G>A (NM_000721.3).
Identifiers: ClinVar variation 1569902 (VCV001569902.10), dbSNP rs567758950, ClinGen allele CA1275613.
Genomic context (GRCh38, chr1:181,738,396, plus strand): 5'-GTCATTTCCTTCCACCATATGTGTCTTTCAGGTCCTGAGGTATTTTGACTATGTGTTCAC[G>A]GGCGTGTTCACCTTTGAGATGGTTATAAAGGTAAAAACTTCTAGAGAAAACCTGGGCTCT-3'
Protein context (NP_001192222.1, residues 1184-1204): KVLRYFDYVF[Thr1194=]GVFTFEMVIK

ClinVar aggregate classification (germline): Likely benign. Review status: criteria provided, single submitter (1 of 4 stars). 2 submissions from 2 submitters: Likely benign (1). 1 of the submissions does not count toward it. Last evaluated 2025-12-22.

Conditions:
CACNA1E-related disorder. Also called: CACNA1E-related condition.

Allele frequency attached by ClinVar (database versions not stated): gnomAD exomes 0.00004 and 0.00006; gnomAD 0.00006; TOPMed 0.00006; ExAC 0.00007.
gnomAD v4.1: 67 of 1,613,892 alleles (0.0042%); highest among the groups gnomAD compares: East Asian, 0.036%; 1 homozygote.

Submissions (2):

Labcorp Genetics (formerly Invitae), Labcorp
Classification: Likely benign. Last evaluated: 2025-12-22. Review status: criteria provided, single submitter. Criteria: Invitae Variant Classification Sherloc (09022015). Collection method: clinical testing. Allele origin: germline.

PreventionGenetics, part of Exact Sciences
Classification: Likely benign for CACNA1E-related condition. Last evaluated: 2022-05-16. Review status: no assertion criteria provided. Collection method: clinical testing. Allele origin: germline. Not counted in ClinVar's aggregate classification.
Comment: This variant is classified as likely benign based on ACMG/AMP sequence variant interpretation guidelines (Richards et al. 2015 PMID: 25741868, with internal and published modifications).